The following is an entry in ClinVar:

ClinVar aggregate classification (germline): Uncertain significance. Review status: criteria provided, multiple submitters, no conflicts (2 of 4 stars). 2 submissions from 2 submitters: Uncertain significance (2). Last evaluated 2025-02-27.

Conditions:
Hypertrophic cardiomyopathy. Also called: HYPERTROPHIC MYOCARDIOPATHY. Identifiers: Orphanet 217569, MedGen C0007194, MeSH D002312, MONDO:0005045, HP:0001639.

Allele frequency attached by ClinVar (database versions not stated): TOPMed below 0.00001; gnomAD exomes 0.00001.

Submissions (2):

Ambry Genetics
Classification: Uncertain significance. Last evaluated: 2025-02-27. Review status: criteria provided, single submitter. Criteria: Ambry Variant Classification Scheme 2023. Collection method: clinical testing. Allele origin: germline.
Comment: The p.S1023P variant (also known as c.3067T>C), located in coding exon 19 of the MYOM1 gene, results from a T to C substitution at nucleotide position 3067. The serine at codon 1023 is replaced by proline, an amino acid with similar properties. This amino acid position is conserved. In addition, this alteration is predicted to be deleterious by in silico analysis. Based on the available evidence, the clinical significance of this variant remains unclear.

Labcorp Genetics (formerly Invitae), Labcorp
Classification: Uncertain significance for Hypertrophic cardiomyopathy. Last evaluated: 2020-11-29. Review status: criteria provided, single submitter. Criteria: Invitae Variant Classification Sherloc (09022015). Collection method: clinical testing. Allele origin: germline.
Comment: This variant is not present in population databases (ExAC no frequency). In summary, the available evidence is currently insufficient to determine the role of this variant in disease. Therefore, it has been classified as a Variant of Uncertain Significance. Algorithms developed to predict the effect of missense changes on protein structure and function are either unavailable or do not agree on the potential impact of this missense change (SIFT: "Tolerated"; PolyPhen-2: "Probably Damaging"; Align-GVGD: "Class C0"). This variant has not been reported in the literature in individuals with MYOM1-related conditions. This sequence change replaces serine with proline at codon 1023 of the MYOM1 protein (p.Ser1023Pro). The serine residue is moderately conserved and there is a moderate physicochemical difference between serine and proline.

NM_003803.4(MYOM1):c.3067T>C (p.Ser1023Pro)

Gene: MYOM1 (myomesin 1; minus strand). Cytogenetic location: 18p11.31.
Variant type: single nucleotide variant.
Coding change: c.3067T>C on transcript NM_003803.4 (MANE Select); coding-DNA position 3067, T replaced by C.
Protein change: p.Ser1023Pro; replaces serine 1023 with proline.
Molecular consequence: missense variant.
Genome position (GRCh38, 1-based): chr18:3,119,920, A>G on the plus strand (T>C on the coding strand, the complement: MYOM1 is on the minus strand). VCF-style: chr18-3119920-A-G. GRCh37 (hg19) VCF-style: chr18-3119918-A-G.
Other names: c.2779T>C, p.Ser927Pro (NM_019856.2); c.3067T>C (NM_003803.3); short protein forms S1023P, S927P.
Identifiers: ClinVar variation 1463645 (VCV001463645.9), dbSNP rs2079660727, ClinGen allele CA401706981.